The following is an entry in ClinVar:

ClinVar aggregate classification (germline): Likely pathogenic (1 of 4 stars; one submission).

Conditions:
PSAT deficiency. Identifiers: Orphanet 284417, MedGen C1970253, MONDO:0012596, OMIM 610992.

Submission:

3billion
Classification: Likely pathogenic for PSAT deficiency. Last evaluated: 2022-01-03. Review status: criteria provided, single submitter. Criteria: ACMG Guidelines, 2015. Collection method: clinical testing. Allele origin: germline. Affected: yes. Observed: 1 heterozygote.
Comment: Stop-gained (nonsense): predicted to result in a loss or disruption of normal protein function through nonsense-mediated decay (NMD) or protein truncation. Multiple pathogenic variants are reported downstream of the variant (PVS1_VS). It is not observed in the gnomAD v2.1.1 dataset (PM2_M). Therefore, this variant is classified as likely pathogenic according to the recommendation of ACMG/AMP guideline.

NM_058179.4(PSAT1):c.444C>A (p.Tyr148Ter)

Gene: PSAT1 (phosphoserine aminotransferase 1; plus strand). Cytogenetic location: 9q21.2.
Variant type: single nucleotide variant.
Coding change: c.444C>A on transcript NM_058179.4 (MANE Select); coding-DNA position 444, C replaced by A.
Protein change: p.Tyr148Ter; replaces tyrosine 148 with a stop codon.
Molecular consequence: nonsense.
Genome position (GRCh38, 1-based): chr9:78,306,360, C>A. VCF-style: chr9-78306360-C-A. GRCh37 (hg19) VCF-style: chr9-80921276-C-A.
Other names: c.444C>A, p.Tyr148Ter (NM_021154.5); short protein forms Y148*.
Identifiers: ClinVar variation 1333513 (VCV001333513.1), dbSNP rs148598272, ClinGen allele CA373873043.